The following is an entry in ClinVar:

NM_016151.4(TAOK2):c.3259C>T (p.Arg1087Trp)

Gene: TAOK2 (TAO kinase 2; plus strand). Cytogenetic location: 16p11.2.
Variant type: single nucleotide variant.
Coding change: c.3259C>T on transcript NM_016151.4 (MANE Select); coding-DNA position 3259, C replaced by T.
Protein change: p.Arg1087Trp; replaces arginine 1087 with tryptophan.
Molecular consequence: missense variant. On other transcripts: intron variant (1).
Genome position (GRCh38, 1-based): chr16:29,987,531, C>T. VCF-style: chr16-29987531-C-T. GRCh37 (hg19) VCF-style: chr16-29998852-C-T.
Other names: c.2920C>T, p.Arg974Trp (NM_001252043.2); c.2232+1027C>T (NM_004783.4); short protein forms R1087W, R974W.
Identifiers: ClinVar variation 2775493 (VCV002775493.3), dbSNP rs1031649698, ClinGen allele CA280400820.

ClinVar aggregate classification (germline): Uncertain significance (1 of 4 stars; one submission).

gnomAD v4.1: 17 of 1,610,794 alleles (0.0011%); highest among the groups gnomAD compares: East Asian, 0.0022%; no homozygotes.

Submission:

Labcorp Genetics (formerly Invitae), Labcorp
Classification: Uncertain significance. Last evaluated: 2024-02-11. Review status: criteria provided, single submitter. Criteria: Invitae Variant Classification Sherloc (09022015). Collection method: clinical testing. Allele origin: germline.
Comment: This sequence change replaces arginine, which is basic and polar, with tryptophan, which is neutral and slightly polar, at codon 1087 of the TAOK2 protein (p.Arg1087Trp). This variant is present in population databases (no rsID available, gnomAD 0.06%). This variant has not been reported in the literature in individuals affected with TAOK2-related conditions. Algorithms developed to predict the effect of missense changes on protein structure and function output the following: SIFT: "Not Available"; PolyPhen-2: "Probably Damaging"; Align-GVGD: "Not Available". The tryptophan amino acid residue is found in multiple mammalian species, which suggests that this missense change does not adversely affect protein function. In summary, the available evidence is currently insufficient to determine the role of this variant in disease. Therefore, it has been classified as a Variant of Uncertain Significance.